The following is an entry in ClinVar:

ClinVar aggregate classification (germline): Pathogenic. Review status: criteria provided, multiple submitters, no conflicts (2 of 4 stars). 3 submissions from 3 submitters: Pathogenic (3). Last evaluated 2025-08-07.

Conditions:
Wilson disease (WND). Also called: Wilson's disease. Identifiers: Orphanet 905, MedGen C0019202, MONDO:0010200, OMIM 277900. Disease mechanism: loss of function.

Submissions (3):

Natera, Inc.
Classification: Pathogenic for Wilson disease. Last evaluated: 2025-08-07. Review status: criteria provided, single submitter. Criteria: Natera Variant Classification Schema (03/2026). Collection method: clinical testing. Allele origin: germline.
Comment: The c.1707+5G>A variant in ATP7B is an intronic variant located outside the canonical splice sites. This variant is rare in the general population with a frequency below the threshold expected for the associated phenotype(s). This variant has been observed in one or more individuals affected with the associated recessive disease, as either homozygous or compound heterozygous with a second variant (PMID: 21682854, 29181760, 35220961, 37681011). Functional studies show that this variant may disrupt protein function (PMID: 29181760). Computational prediction algorithms indicate this variant is likely to affect gene or protein function. Given the available evidence, this variant is classified as Pathogenic.

Labcorp Genetics (formerly Invitae), Labcorp
Classification: Pathogenic for Wilson disease. Last evaluated: 2024-08-21. Review status: criteria provided, single submitter. Criteria: Invitae Variant Classification Sherloc (09022015). Collection method: clinical testing. Allele origin: germline.
Comment: This sequence change falls in intron 4 of the ATP7B gene. It does not directly change the encoded amino acid sequence of the ATP7B protein. It affects a nucleotide within the consensus splice site. This variant is not present in population databases (gnomAD no frequency). This variant has been observed in individual(s) with Wilson disease (PMID: 21682854, 29181760, 35220961). In at least one individual the data is consistent with being in trans (on the opposite chromosome) from a pathogenic variant. Variants that disrupt the consensus splice site are a relatively common cause of aberrant splicing (PMID: 17576681, 9536098). Studies have shown that this variant alters mRNA splicing and is expected to lead to the loss of protein expression (PMID: 29181760). For these reasons, this variant has been classified as Pathogenic.

Baylor Genetics
Classification: Pathogenic for Wilson disease. Last evaluated: 2023-12-14. Review status: criteria provided, single submitter. Criteria: ACMG Guidelines, 2015. Collection method: clinical testing. Allele origin: unknown.

Literature cited by the submitters: PubMed 21682854 (cited by Natera, Inc. and Labcorp Genetics (formerly Invitae), Labcorp); PubMed 29181760 (cited by Natera, Inc. and Labcorp Genetics (formerly Invitae), Labcorp); PubMed 35220961 (cited by Natera, Inc. and Labcorp Genetics (formerly Invitae), Labcorp); PubMed 37681011 (cited by Natera, Inc.); PubMed 17576681 (cited by Labcorp Genetics (formerly Invitae), Labcorp); PubMed 9536098 (cited by Labcorp Genetics (formerly Invitae), Labcorp).

NM_000053.4(ATP7B):c.1707+5G>A

Gene: ATP7B (ATPase copper transporting beta; minus strand). Cytogenetic location: 13q14.3.
Variant type: single nucleotide variant.
Coding change: c.1707+5G>A on transcript NM_000053.4 (MANE Select); 5 bases into the intron after coding-DNA position 1707, G replaced by A.
Molecular consequence: intron variant.
Genome position (GRCh38, 1-based): chr13:51,968,439, C>T on the plus strand (G>A on the coding strand, the complement: ATP7B is on the minus strand). VCF-style: chr13-51968439-C-T. GRCh37 (hg19) VCF-style: chr13-52542575-C-T.
Other names: c.1707+5G>A (NM_000053.3, NM_001406545.1, NM_001005918.3 and 27 more transcripts); c.1611+5G>A (NM_001406518.1, NM_001406544.1, NM_001406536.1 and 3 more transcripts); c.1278+5G>A (NM_001406539.1); c.1374+5G>A (NM_001243182.2); c.1285+5496G>A (NM_001406548.1); c.1674+5G>A (NM_001406524.1, NM_001406514.1).
Identifiers: ClinVar variation 3240819 (VCV003240819.4), dbSNP rs2547777444.